The following is an entry in ClinVar:

ClinVar aggregate classification (germline): Uncertain significance (1 of 4 stars; one submission).

Conditions:
Isolated microphthalmia 5. Also called: Posterior Microphthalmia with Retinitis Pigmentosa, Foveoschisis, and Optic Disc Drusen. Identifiers: Orphanet 251279, MedGen C1970236, MONDO:0012605, OMIM 611040.

Allele frequency attached by ClinVar (database versions not stated): gnomAD exomes below 0.00001.
gnomAD v4.1: 4 of 1,614,096 alleles (0.00025%); highest among the groups gnomAD compares: Non-Finnish European, 0.00034%; no homozygotes.

Submission:

Labcorp Genetics (formerly Invitae), Labcorp
Classification: Uncertain significance for Isolated microphthalmia 5. Last evaluated: 2022-01-11. Review status: criteria provided, single submitter. Criteria: Invitae Variant Classification Sherloc (09022015). Collection method: clinical testing. Allele origin: germline.
Comment: This sequence change replaces isoleucine, which is neutral and non-polar, with lysine, which is basic and polar, at codon 182 of the MFRP protein (p.Ile182Lys). This variant is not present in population databases (gnomAD no frequency). In summary, the available evidence is currently insufficient to determine the role of this variant in disease. Therefore, it has been classified as a Variant of Uncertain Significance. Algorithms developed to predict the effect of missense changes on protein structure and function (SIFT, PolyPhen-2, Align-GVGD) all suggest that this variant is likely to be disruptive. This variant has not been reported in the literature in individuals affected with MFRP-related conditions.

NM_031433.4(MFRP):c.545T>A (p.Ile182Lys)

Genes: C1QTNF5 (C1q and TNF related 5; minus strand), MFRP (membrane frizzled-related protein; minus strand). Cytogenetic location: 11q23.3.
Variant type: single nucleotide variant.
Coding change: c.545T>A on transcript NM_031433.4 (MANE Select); coding-DNA position 545, T replaced by A.
Protein change: p.Ile182Lys; replaces isoleucine 182 with lysine.
Molecular consequence: missense variant. On other transcripts: 5 prime UTR variant (1).
Genome position (GRCh38, 1-based): chr11:119,345,516, A>T on the plus strand (T>A on the coding strand, the complement: MFRP is on the minus strand). VCF-style: chr11-119345516-A-T. GRCh37 (hg19) VCF-style: chr11-119216226-A-T.
Other names: c.-2092T>A (NM_015645.5); short protein forms I182K.
Identifiers: ClinVar variation 1420913 (VCV001420913.6), dbSNP rs121908190, ClinGen allele CA382978207.